The following is an entry in ClinVar:

ClinVar aggregate classification (germline): Benign. Review status: criteria provided, multiple submitters, no conflicts (2 of 4 stars). 2 submissions from 2 submitters: Benign (2). Last evaluated 2018-06-14.

Allele frequency attached by ClinVar (database versions not stated): 1000 Genomes Project 30x 0.92146; gnomAD 0.95593 and 0.95575; gnomAD exomes 0.98265; 1000 Genomes Project 0.92352; TOPMed 0.94387.
gnomAD v4.1: 1,268,307 of 1,295,164 alleles (98%); highest among the groups gnomAD compares: Non-Finnish European, 100%; 622,335 homozygotes.

Submissions (2):

GeneDx
Classification: Benign. Last evaluated: 2018-06-14. Review status: criteria provided, single submitter. Criteria: GeneDx Variant Classification (06012015). Collection method: clinical testing. Allele origin: germline. Affected: yes.
Comment: This variant is considered likely benign or benign based on one or more of the following criteria: it is a conservative change, it occurs at a poorly conserved position in the protein, it is predicted to be benign by multiple in silico algorithms, and/or has population frequency not consistent with disease.

Breakthrough Genomics
Classification: Benign. Review status: criteria provided, single submitter. Criteria: ACMG Guidelines, 2015. Collection method: not provided. Allele origin: germline. Inheritance: Unknown mechanism. Affected: yes.

NM_006393.3(NEBL):c.153+66T>G

Gene: NEBL (nebulette; minus strand). Cytogenetic location: 10p12.31.
Variant type: single nucleotide variant.
Coding change: c.153+66T>G on transcript NM_006393.3 (MANE Select); 66 bases into the intron after coding-DNA position 153, T replaced by G.
Molecular consequence: intron variant.
Genome position (GRCh38, 1-based): chr10:20,896,892, A>C on the plus strand (T>G on the coding strand, the complement: NEBL is on the minus strand). VCF-style: chr10-20896892-A-C. GRCh37 (hg19) VCF-style: chr10-21185821-A-C.
Other names: c.249+64780T>G (NM_001377326.1, NM_001377327.1, NM_001377328.1); c.357+64780T>G (NM_213569.2, NM_001173484.2, NM_001377322.1); c.300+64780T>G (NM_001377324.1); c.291+64780T>G (NM_001377325.1); c.309+64780T>G (NM_001377323.1).
Identifiers: ClinVar variation 672879 (VCV000672879.2), dbSNP rs788971, ClinGen allele CA204179328.